The following is an entry in ClinVar:

ClinVar aggregate classification (germline): Likely pathogenic (1 of 4 stars; one submission).

Conditions:
Asphyxiating thoracic dystrophy 3. Also called: POLYDACTYLY WITH NEONATAL CHONDRODYSTROPHY, TYPE I; SHORT-RIB THORACIC DYSPLASIA 3/6 WITH POLYDACTYLY, DIGENIC; SHORT-RIB THORACIC DYSPLASIA 3 WITH OR WITHOUT POLYDACTYLY; Saldino-Noonan Syndrome; Short rib polydactyly syndrome 2B. Identifiers: Orphanet 474, Orphanet 93269, Orphanet 93270, Orphanet 93271, MedGen C0036069, MONDO:0013127, OMIM 613091.

Submission:

Juno Genomics, Hangzhou Juno Genomics, Inc
Classification: Likely pathogenic for Asphyxiating thoracic dystrophy 3. Review status: criteria provided, single submitter. Criteria: ACMG Guidelines, 2015. Collection method: clinical testing. Allele origin: germline.
Comment: Null variant in a gene where loss of function (LOF) is a known mechanism of disease.;Absent from controls (or at extremely low frequency if recessive) in Genome Aggregation Database.

NM_001377.3(DYNC2H1):c.9819+1G>T

Gene: DYNC2H1 (dynein cytoplasmic 2 heavy chain 1; plus strand). Cytogenetic location: 11q22.3.
Variant type: single nucleotide variant.
Coding change: c.9819+1G>T on transcript NM_001377.3 (MANE Select); the canonical splice donor site of the intron after coding-DNA position 9819, G replaced by T.
Molecular consequence: splice donor variant.
Genome position (GRCh38, 1-based): chr11:103,236,540, G>T. VCF-style: chr11-103236540-G-T. GRCh37 (hg19) VCF-style: chr11-103107269-G-T.
Other names: c.9819+1G>T (NM_001080463.2).
Identifiers: ClinVar variation 5038018 (VCV005038018.2).
Genomic context (GRCh38, chr11:103,236,540, plus strand): 5'-AAAAGTGAAGGCCTACCATCAGATGACCTTTCCATAGAAAATGCTCTTGTAATATTACAG[G>T]TAGTTAATTTATTTTAATTTTTTTATTAGAAATGTTTTATTGTCAAGCTTGCTGTAGAAA-3'